The following is an entry in ClinVar:

ClinVar aggregate classification (germline): Uncertain significance (1 of 4 stars; one submission).

Conditions:
T-cell immunodeficiency, congenital alopecia, and nail dystrophy. Also called: Congenital alopecia and nail dystrophy associated with severe functional T-cell immunodeficiency; Pignata Guarino syndrome. Identifiers: Orphanet 169095, MedGen C1866426, MONDO:0011132, OMIM 601705.

Allele frequency attached by ClinVar (database versions not stated): gnomAD exomes below 0.00001.
gnomAD v4.1: 2 of 1,614,170 alleles (0.00012%); highest among the groups gnomAD compares: Non-Finnish European, 0.00017%; no homozygotes.

Submission:

Labcorp Genetics (formerly Invitae), Labcorp
Classification: Uncertain significance for T-cell immunodeficiency, congenital alopecia, and nail dystrophy. Last evaluated: 2024-01-04. Review status: criteria provided, single submitter. Criteria: Invitae Variant Classification Sherloc (09022015). Collection method: clinical testing. Allele origin: germline.
Comment: This sequence change replaces threonine, which is neutral and polar, with isoleucine, which is neutral and non-polar, at codon 447 of the FOXN1 protein (p.Thr447Ile). This variant is not present in population databases (gnomAD no frequency). This variant has not been reported in the literature in individuals affected with FOXN1-related conditions. Advanced modeling of protein sequence and biophysical properties (such as structural, functional, and spatial information, amino acid conservation, physicochemical variation, residue mobility, and thermodynamic stability) performed at Invitae indicates that this missense variant is not expected to disrupt FOXN1 protein function with a negative predictive value of 80%. In summary, the available evidence is currently insufficient to determine the role of this variant in disease. Therefore, it has been classified as a Variant of Uncertain Significance.

NM_001369369.1(FOXN1):c.1340C>T (p.Thr447Ile)

Gene: FOXN1 (forkhead box N1; plus strand). Cytogenetic location: 17q11.2.
Variant type: single nucleotide variant.
Coding change: c.1340C>T on transcript NM_001369369.1 (MANE Select); coding-DNA position 1340, C replaced by T.
Protein change: p.Thr447Ile; replaces threonine 447 with isoleucine.
Molecular consequence: missense variant.
Genome position (GRCh38, 1-based): chr17:28,534,911, C>T. VCF-style: chr17-28534911-C-T. GRCh37 (hg19) VCF-style: chr17-26861929-C-T.
Other names: c.1340C>T, p.Thr447Ile (NM_003593.3); short protein forms T447I.
Identifiers: ClinVar variation 2707678 (VCV002707678.3), dbSNP rs2508429388, ClinGen allele CA398326057.